The following is an entry in ClinVar:

NC_000001.10:g.(?_150769275)_(150772205_?)del

Gene: CTSK (cathepsin K; minus strand). Cytogenetic location: 1q21.3.
Variant type: Deletion.
Identifiers: ClinVar variation 3247893 (VCV003247893.1).

ClinVar aggregate classification (germline): Pathogenic (1 of 4 stars; one submission).

Submission:

Labcorp Genetics (formerly Invitae), Labcorp
Classification: Pathogenic. Last evaluated: 2023-02-08. Review status: criteria provided, single submitter. Criteria: Invitae Variant Classification Sherloc (09022015). Collection method: clinical testing. Allele origin: unknown.
Comment: For these reasons, this variant has been classified as Pathogenic. This variant is a gross deletion of the genomic region encompassing exon(s) 6-8 of the CTSK gene, which includes the termination codon. This deletion extends beyond the assayed region for this gene and therefore may encompass additional genes. While this deletion is not anticipated to lead to nonsense mediated decay, it is expected to alter mRNA translation or result in a truncated protein product. This variant has not been reported in the literature in individuals affected with CTSK-related conditions. This variant disrupts a region of the CTSK protein in which other variant(s) (p.Cys318Tyr) have been determined to be pathogenic (PMID: 20814951, 24057333, 27558267). This suggests that this is a clinically significant region of the protein, and that variants that disrupt it are likely to be disease-causing.

Literature cited by the submitters: PubMed 20814951; PubMed 24057333; PubMed 27558267.